The following is an entry in ClinVar:

ClinVar aggregate classification (germline): Uncertain significance (1 of 4 stars; one submission).

Conditions:
Hereditary spastic paraplegia 7 (SPG7). Also called: SPASTIC PARAPLEGIA 7, AUTOSOMAL RECESSIVE, WITH OR WITHOUT CEREBELLAR ATAXIA; Spastic paraplegia 7; Hereditary spastic paraplegia Paraplegin type; Autosomal recessive spastic paraplegia type 7; SPG7-related neurologic disorder. Identifiers: Orphanet 99013, MedGen C1846564, MONDO:0011803, OMIM 607259.

Allele frequency attached by ClinVar (database versions not stated): gnomAD exomes 0.00001; ExAC 0.00002; gnomAD 0.00003; TOPMed 0.00003; ESP Exome Variant Server 0.00015.

Submission:

Baylor Genetics
Classification: Uncertain significance for Hereditary spastic paraplegia 7. Last evaluated: 2018-12-19. Review status: criteria provided, single submitter. Criteria: ACMG Guidelines, 2015. Collection method: clinical testing. Allele origin: maternal. Affected: yes.
Comment: This variant was determined to be of uncertain significance according to ACMG Guidelines, 2015 [PMID:25741868].

NM_003119.4(SPG7):c.1324+4273G>T

Gene: SPG7 (SPG7 matrix AAA peptidase subunit, paraplegin; plus strand). Cytogenetic location: 16q24.3.
Variant type: single nucleotide variant.
Coding change: c.1324+4273G>T on transcript NM_003119.4 (MANE Select); 4273 bases into the intron after coding-DNA position 1324, G replaced by T.
Molecular consequence: intron variant. On other transcripts: stop lost (1).
Genome position (GRCh38, 1-based): chr16:89,536,909, G>T. VCF-style: chr16-89536909-G-T. GRCh37 (hg19) VCF-style: chr16-89603317-G-T.
Other names: c.1469G>T, p.Ter490Leu (NM_199367.3); c.1324+4273G>T (NM_001363850.1).
Identifiers: ClinVar variation 1033565 (VCV001033565.1), dbSNP rs142373545, ClinGen allele CA8244123.
Genomic context (GRCh38, chr16:89,536,909, plus strand): 5'-CCACAGGGTCACGGAGGGCAATGGAGGGTCATTCGCTCTGCTGGGGTTGCCTTTTGCACT[G>T]AAGATAGAGACCACCTTTTTGAGTGACTTGAGCCCAAAGGCAAGCGTATATCAAACGATC-3'